The following is an entry in ClinVar:

NM_007294.4(BRCA1):c.5516del (p.Leu1839fs)

Gene: BRCA1 (BRCA1 DNA repair associated; minus strand). Cytogenetic location: 17q21.31.
Variant type: Deletion.
Coding change: c.5516del on transcript NM_007294.4 (MANE Select); coding-DNA position 5516, one base deleted (T; older notation c.5516delT).
Protein change: p.Leu1839fs; shifts the reading frame from leucine 1839.
Molecular consequence: frameshift variant. On other transcripts: 3 prime UTR variant (1), non-coding transcript variant (1).
Genome position (GRCh38, 1-based): chr17:43,045,754, A deleted on the plus strand (T on the coding strand, the reverse complement: BRCA1 is on the minus strand); the first of 2 consecutive A bases (chr17:43,045,754-43,045,755); deleting either gives the same sequence. VCF-style (leftmost placement, unchanged base first): chr17-43045753-CA-C. GRCh37 (hg19) VCF-style: chr17-41197770-CA-C.
Other names: c.5314delT, p.Leu1772Trpfs (NM_001407862.1); c.5311delT, p.Leu1771Trpfs (NM_001407863.1); c.5308delT, p.Leu1770Trpfs (NM_001407874.1, NM_001407875.1); c.5305delT, p.Leu1769Trpfs (NM_001407879.1, NM_001407881.1, NM_001407882.1 and 5 more transcripts); c.5302delT, p.Leu1768Trpfs (NM_001407894.1, NM_001407895.1, NM_001407896.1 and 12 more transcripts); c.5299delT, p.Leu1767Trpfs (NM_001407915.1, NM_001407916.1, NM_001407917.1 and 1 more transcripts); c.5581delT, p.Leu1861Trpfs (NM_001407581.1, NM_001407582.1); c.5578delT, p.Leu1860Trpfs (NM_001407583.1, NM_001407585.1, NM_001407587.1); and 77 more; short protein forms L1839fs, L1792fs, L1860fs, L735fs.
Identifiers: ClinVar variation 1354632 (VCV001354632.9), dbSNP rs2152543224, ClinGen allele CA2573153992.

ClinVar aggregate classification (germline): Pathogenic (1 of 4 stars; one submission).

Conditions:
Hereditary breast ovarian cancer syndrome. Also called: BRCA1- and BRCA2-Associated Hereditary Breast and Ovarian Cancer; Hereditary breast and ovarian cancer; Hereditary breast and ovarian cancer syndrome; Hereditary breast and ovarian cancer syndrome (HBOC); Breast and ovarian cancer; Hereditary breast and/or ovarian cancer syndrome. Identifiers: Orphanet 145, MedGen C0677776, MeSH D061325, MONDO:0003582. Disease mechanism: loss of function.

Submission:

Labcorp Genetics (formerly Invitae), Labcorp
Classification: Pathogenic for Hereditary breast ovarian cancer syndrome. Last evaluated: 2021-03-27. Review status: criteria provided, single submitter. Criteria: Invitae Variant Classification Sherloc (09022015). Collection method: clinical testing. Allele origin: germline.
Comment: For these reasons, this variant has been classified as Pathogenic. This variant disrupts the C-terminus of the BRCA1 protein. Other variant(s) that disrupt this region (p.Tyr1853*) have been determined to be pathogenic (PMID: 24504028, 20104584, 21922593, 10811118, 11739404, 12400015). This suggests that variants that disrupt this region of the protein are likely to be causative of disease. This variant has not been reported in the literature in individuals with BRCA1-related conditions. This variant is not present in population databases (ExAC no frequency). This sequence change creates a premature translational stop signal (p.Leu1839Trpfs*4) in the BRCA1 gene. While this is not anticipated to result in nonsense mediated decay, it is expected to disrupt the last 25 amino acid(s) of the BRCA1 protein.

Literature cited by the submitters: PubMed 24504028; PubMed 20104584; PubMed 21922593; PubMed 10811118; PubMed 11739404; PubMed 12400015.